The following is an entry in ClinVar:

NM_002458.3(MUC5B):c.13108G>A (p.Ala4370Thr)

Gene: MUC5B (mucin 5B, oligomeric mucus/gel-forming; plus strand). Cytogenetic location: 11p15.5.
Variant type: single nucleotide variant.
Coding change: c.13108G>A on transcript NM_002458.3 (MANE Select); coding-DNA position 13108, G replaced by A.
Protein change: p.Ala4370Thr; replaces alanine 4370 with threonine.
Molecular consequence: missense variant.
Genome position (GRCh38, 1-based): chr11:1,249,988, G>A. VCF-style: chr11-1249988-G-A. GRCh37 (hg19) VCF-style: chr11-1271218-G-A.
Other names: short protein forms A4370T.
Identifiers: ClinVar variation 2237337 (VCV002237337.26), dbSNP rs200656241, ClinGen allele CA5808203.

ClinVar aggregate classification (germline): Conflicting classifications of pathogenicity. Review status: criteria provided, conflicting classifications (1 of 4 stars). 2 submissions from 2 submitters: Uncertain significance (1); Benign (1). Last evaluated 2026-01-01.

Allele frequency attached by ClinVar (database versions not stated): ExAC 0.00061; gnomAD 0.00076; TOPMed 0.00083; ESP Exome Variant Server 0.00087; gnomAD exomes 0.00149.
gnomAD v4.1: 2,281 of 1,610,990 alleles (0.14%); highest among the groups gnomAD compares: Non-Finnish European, 0.18%; 3 homozygotes.

Submissions (2):

CeGaT Center for Human Genetics Tuebingen
Classification: Benign. Last evaluated: 2026-01-01. Review status: criteria provided, single submitter. Criteria: CeGaT Center For Human Genetics Tuebingen Variant Classification Criteria Version 2. Collection method: clinical testing. Allele origin: germline. Affected: yes. Observed: 2 variant alleles.
Comment: MUC5B: BP4, BS1, BS2

Ambry Genetics
Classification: Uncertain significance. Last evaluated: 2021-10-21. Review status: criteria provided, single submitter. Criteria: Ambry Variant Classification Scheme 2023. Collection method: clinical testing. Allele origin: germline.